The following is an entry in ClinVar:

NM_133259.4(LRPPRC):c.3078G>A (p.Ser1026=)

Gene: LRPPRC (leucine rich pentatricopeptide repeat containing; minus strand). Cytogenetic location: 2p21.
Variant type: single nucleotide variant.
Coding change: c.3078G>A on transcript NM_133259.4 (MANE Select); coding-DNA position 3078, G replaced by A.
Protein change: p.Ser1026=; no amino-acid change (serine 1026 retained).
Molecular consequence: synonymous variant.
Genome position (GRCh38, 1-based): chr2:43,918,095, C>T on the plus strand (G>A on the coding strand, the complement: LRPPRC is on the minus strand). VCF-style: chr2-43918095-C-T. GRCh37 (hg19) VCF-style: chr2-44145234-C-T.
Identifiers: ClinVar variation 516159 (VCV000516159.10), dbSNP rs760063530, ClinGen allele CA1638207.

ClinVar aggregate classification (germline): Likely benign. Review status: criteria provided, multiple submitters, no conflicts (2 of 4 stars). 3 submissions from 3 submitters: Likely benign (3). Last evaluated 2024-03-20.

Allele frequency attached by ClinVar (database versions not stated): gnomAD exomes 0.00003; ExAC 0.00006; gnomAD 0.00006; TOPMed 0.00006.
gnomAD v4.1: 127 of 1,612,856 alleles (0.0079%); highest among the groups gnomAD compares: Non-Finnish European, 0.0095%; no homozygotes.

Submissions (3):

Labcorp Genetics (formerly Invitae), Labcorp
Classification: Likely benign. Last evaluated: 2024-03-20. Review status: criteria provided, single submitter. Criteria: Invitae Variant Classification Sherloc (09022015). Collection method: clinical testing. Allele origin: germline.

GeneDx
Classification: Likely benign. Last evaluated: 2017-02-07. Review status: criteria provided, single submitter. Criteria: GeneDx Variant Classification (06012015). Collection method: clinical testing. Allele origin: germline. Affected: yes.
Comment: This variant is considered likely benign or benign based on one or more of the following criteria: it is a conservative change, it occurs at a poorly conserved position in the protein, it is predicted to be benign by multiple in silico algorithms, and/or has population frequency not consistent with disease.

Breakthrough Genomics
Classification: Likely benign. Review status: criteria provided, single submitter. Criteria: ACMG Guidelines, 2015. Collection method: not provided. Allele origin: germline. Inheritance: Autosomal recessive inheritance. Affected: yes.